The following is an entry in ClinVar:

NM_001256012.3(MYH10):c.5458dup (p.Gln1820fs)

Gene: MYH10 (myosin heavy chain 10; minus strand). Cytogenetic location: 17p13.1.
Variant type: Duplication.
Coding change: c.5458dup on transcript NM_001256012.3 (MANE Select); coding-DNA position 5458, one base duplicated (C; older notation c.5458dupC).
Protein change: p.Gln1820fs; shifts the reading frame from glutamine 1820.
Molecular consequence: frameshift variant.
Genome position (GRCh38, 1-based): chr17:8,480,249, G duplicated on the plus strand (C on the coding strand, the reverse complement: MYH10 is on the minus strand). VCF-style (leftmost placement, unchanged base first): chr17-8480248-T-TG. GRCh37 (hg19) VCF-style: chr17-8383566-T-TG.
Other names: c.5392dup, p.Gln1798fs (NM_001256095.2); c.5395dup, p.Gln1799fs (NM_001375266.1); c.5365dup, p.Gln1789fs (NM_005964.5); short protein forms Q1789fs, Q1798fs, Q1799fs, Q1820fs.
Identifiers: ClinVar variation 2446594 (VCV002446594.1), dbSNP rs2544168723, ClinGen allele CA2576164934.

ClinVar aggregate classification (germline): Uncertain significance (1 of 4 stars; one submission).

Submission:

GeneDx
Classification: Uncertain significance. Last evaluated: 2022-10-03. Review status: criteria provided, single submitter. Criteria: GeneDx Variant Classification Process June 2021. Collection method: clinical testing. Allele origin: germline. Affected: yes.
Comment: Not observed at significant frequency in large population cohorts (gnomAD); Frameshift variant predicted to result in protein truncation or nonsense mediated decay in a gene or region of a gene for which loss of function is not a well-established mechanism of disease; Has not been previously published as pathogenic or benign to our knowledge